The following is an entry in ClinVar:

ClinVar aggregate classification (germline): Likely pathogenic (1 of 4 stars; one submission).

Conditions:
Pendred syndrome (PDS). Also called: Pendred Syndrome (PDS); DEAFNESS WITH GOITER; THYROID DYSHORMONOGENESIS 2B; THYROID HORMONOGENESIS, GENETIC DEFECT IN, 2B; HYPOTHYROIDISM, CONGENITAL, DUE TO DYSHORMONOGENESIS, 2B; GOITER-DEAFNESS SYNDROME. Identifiers: Orphanet 705, MedGen C0271829, MONDO:0010134, OMIM 274600.

Submission:

Myriad Genetics, Inc.
Classification: Likely pathogenic for Pendred syndrome. Last evaluated: 2026-05-13. Review status: criteria provided, single submitter. Criteria: Myriad Autosomal Dominant, Autosomal Recessive and X-Linked Classification Criteria (2023). Collection method: clinical testing. Allele origin: unknown.
Comment: NM_000441.1(SLC26A4):c.1544+2T>C is a variant in a canonical splice site classified as likely pathogenic in the context of Pendred syndrome. c.1544+2T>C has not been observed in cases with relevant disease. Relevant functional assessments of this variant are not available in the literature. c.1544+2T>C has not been observed in referenced population frequency databases. In summary, NM_000441.1(SLC26A4):c.1544+2T>C is a variant in a canonical splice site in a gene where loss of function is a known mechanism of disease and is predicted to disrupt protein function. Please note: this variant was assessed in the context of healthy population screening.

NM_000441.2(SLC26A4):c.1544+2T>C

Gene: SLC26A4 (solute carrier family 26 member 4; plus strand). Cytogenetic location: 7q22.3.
Variant type: single nucleotide variant.
Coding change: c.1544+2T>C on transcript NM_000441.2 (MANE Select); the canonical splice donor site of the intron after coding-DNA position 1544, T replaced by C.
Molecular consequence: splice donor variant.
Genome position (GRCh38, 1-based): chr7:107,696,041, T>C. VCF-style: chr7-107696041-T-C. GRCh37 (hg19) VCF-style: chr7-107336486-T-C.
Identifiers: ClinVar variation 5004660 (VCV005004660.1).